The following is an entry in ClinVar:

ClinVar aggregate classification (germline): Conflicting classifications of pathogenicity. Review status: criteria provided, conflicting classifications (1 of 4 stars). 8 submissions from 8 submitters: Uncertain significance (4); Likely benign (3). 1 of the submissions does not count toward it. Last evaluated 2025-11-25.

Conditions:
CACNA1A-related disorder. Also called: CACNA1A-related condition.
Developmental and epileptic encephalopathy, 42 (DEE42A). Also called: DEVELOPMENTAL AND EPILEPTIC ENCEPHALOPATHY 42A; EPILEPTIC ENCEPHALOPATHY, EARLY INFANTILE, 42A; Epileptic encephalopathy, early infantile, 42. Identifiers: MedGen C4310716, MONDO:0014917, OMIM 617106.
Episodic ataxia type 2 (EA2). Also called: ATAXIA, EPISODIC, WITH NYSTAGMUS; ATAXIA, FAMILIAL PAROXYSMAL; CEREBELLAR ATAXIA, PAROXYSMAL, ACETAZOLAMIDE-RESPONSIVE; CEREBELLOPATHY, HEREDITARY PAROXYSMAL; ACETAZOLAMIDE-RESPONSIVE HEREDITARY PAROXYSMAL CEREBELLAR ATAXIA; EPISODIC ATAXIA, NYSTAGMUS-ASSOCIATED. Identifiers: Orphanet 97, MedGen C1720416, MONDO:0007163, OMIM 108500.
Inborn genetic diseases. Identifiers: MedGen C0950123, MeSH D030342.
Spinocerebellar ataxia type 6 (SCA6). Identifiers: Orphanet 98758, MedGen C0752124, MONDO:0008457, OMIM 183086.
Migraine, familial hemiplegic, 1. Also called: MIGRAINE, FAMILIAL HEMIPLEGIC 1, WITH PROGRESSIVE CEREBELLAR ATAXIA. Identifiers: Orphanet 569, MedGen C1832884, MONDO:0020756, OMIM 141500, MONDO:0007714.

Allele frequency attached by ClinVar (database versions not stated): gnomAD exomes 0.00011; ESP Exome Variant Server 0.00017; TOPMed 0.00020; gnomAD 0.00022; ExAC 0.00086.
gnomAD v4.1: 56 of 1,393,218 alleles (0.004%); highest among the groups gnomAD compares: African/African-American, 0.059%; no homozygotes.

Submissions (8):

Labcorp Genetics (formerly Invitae), Labcorp
Classification: Likely benign for Developmental and epileptic encephalopathy, 42; Episodic ataxia type 2. Last evaluated: 2025-11-25. Review status: criteria provided, single submitter. Criteria: Invitae Variant Classification Sherloc (09022015). Collection method: clinical testing. Allele origin: germline.

CeGaT Center for Human Genetics Tuebingen
Classification: Uncertain significance. Last evaluated: 2025-10-01. Review status: criteria provided, single submitter. Criteria: CeGaT Center For Human Genetics Tuebingen Variant Classification Criteria Version 2. Collection method: clinical testing. Allele origin: germline. Affected: yes. Observed: 1 variant allele.
Comment: CACNA1A: PP3

Ambry Genetics
Classification: Likely benign for Inborn genetic diseases. Last evaluated: 2025-05-01. Review status: criteria provided, single submitter. Criteria: Ambry Variant Classification Scheme 2023. Collection method: clinical testing. Allele origin: germline.

Athena Diagnostics
Classification: Likely benign. Last evaluated: 2020-04-20. Review status: criteria provided, single submitter. Criteria: Athena Diagnostics Criteria. Collection method: clinical testing. Allele origin: unknown.

Fulgent Genetics
Classification: Uncertain significance for Episodic ataxia type 2; Migraine, familial hemiplegic, 1; Spinocerebellar ataxia type 6; Developmental and epileptic encephalopathy, 42. Last evaluated: 2018-10-31. Review status: criteria provided, single submitter. Criteria: ACMG Guidelines, 2015. Collection method: clinical testing. Allele origin: unknown.

Eurofins Ntd Llc (ga)
Classification: Uncertain significance. Last evaluated: 2018-03-22. Review status: criteria provided, single submitter. Criteria: EGL ClinVar v180209 classification definitions. Collection method: clinical testing. Allele origin: germline. Observed: 1 variant allele, 1 heterozygote.

GeneDx
Classification: Uncertain significance. Last evaluated: 2016-08-15. Review status: criteria provided, single submitter. Criteria: GeneDx Variant Classification (06012015). Collection method: clinical testing. Allele origin: germline. Affected: yes.
Comment: A variant of uncertain significance has been identified in the CACNA1A gene. The R2170C variant has not beenpublished as a pathogenic variant, nor has it been reported as a benign variant to our knowledge. Although theR2170C was not observed with any significant frequency in approximately 6,000 individuals of European and AfricanAmerican ancestry in the NHLBI Exome Sequencing Project, the data was noted to have reduced depth of sequencingreads and therefore may be unreliable. The R2170C variant is a non-conservative amino acid substitution, which islikely to impact secondary protein structure as these residues differ in polarity, charge, size and/or other properties.This substitution occurs at a position that is conserved across species and in silico analysis predicts this variant isprobably damaging to the protein structure/function. However, missense variants in nearby residues have not beenreported in the Human Gene Mutation Database in association with CACNA1A-related disorders (Stenson et al.,2014). Therefore, based on the currently available information, it is unclear whether this variant is a pathogenicvariant or a rare benign variant.

PreventionGenetics, part of Exact Sciences
Classification: Likely benign for CACNA1A-related condition. Last evaluated: 2023-02-22. Review status: no assertion criteria provided. Collection method: clinical testing. Allele origin: germline. Not counted in ClinVar's aggregate classification.
Comment: This variant is classified as likely benign based on ACMG/AMP sequence variant interpretation guidelines (Richards et al. 2015 PMID: 25741868, with internal and published modifications).

NM_001127222.2(CACNA1A):c.6505C>T (p.Arg2169Cys)

Gene: CACNA1A (calcium voltage-gated channel subunit alpha1 A; minus strand). Cytogenetic location: 19p13.13.
Variant type: single nucleotide variant.
Coding change: c.6505C>T on transcript NM_001127222.2 (MANE Select); coding-DNA position 6505, C replaced by T.
Protein change: p.Arg2169Cys; replaces arginine 2169 with cysteine.
Molecular consequence: missense variant.
Genome position (GRCh38, 1-based): chr19:13,209,333, G>A on the plus strand (C>T on the coding strand, the complement: CACNA1A is on the minus strand). VCF-style: chr19-13209333-G-A. GRCh37 (hg19) VCF-style: chr19-13320147-G-A.
Other names: c.6523C>T, p.Arg2175Cys (NM_000068.4, NM_023035.3); c.6508C>T, p.Arg2170Cys (NM_001127221.2); c.6514C>T, p.Arg2172Cys (NM_001174080.2); c.6505C>T (NM_001127222.1); short protein forms R2170C, R2172C, R2175C, R2169C.
Identifiers: ClinVar variation 421988 (VCV000421988.34), dbSNP rs375354077, ClinGen allele CA9239341.